The following is an entry in ClinVar:

NM_030777.4(SLC2A10):c.796G>A (p.Gly266Arg)

Gene: SLC2A10 (solute carrier family 2 member 10; plus strand). Cytogenetic location: 20q13.12.
Variant type: single nucleotide variant.
Coding change: c.796G>A on transcript NM_030777.4 (MANE Select); coding-DNA position 796, G replaced by A.
Protein change: p.Gly266Arg; replaces glycine 266 with arginine.
Molecular consequence: missense variant.
Genome position (GRCh38, 1-based): chr20:46,725,832, G>A. VCF-style: chr20-46725832-G-A. GRCh37 (hg19) VCF-style: chr20-45354471-G-A.
Other names: short protein forms G266R.
Identifiers: ClinVar variation 2564033 (VCV002564033.2), dbSNP rs2515590152, ClinGen allele CA409268067.

ClinVar aggregate classification (germline): Uncertain significance (1 of 4 stars; one submission).

Conditions:
Familial thoracic aortic aneurysm and aortic dissection (TAAD). Also called: Thoracic aortic aneurysms and dissections. Identifiers: Orphanet 91387, MedGen C4707243, MONDO:0019625.

Allele frequency attached by ClinVar (database versions not stated): gnomAD exomes below 0.00001.
gnomAD v4.1: 1 of 1,614,252 alleles (0.000062%); highest among the groups gnomAD compares: Admixed American, 0.0017%; no homozygotes.

Submission:

Ambry Genetics
Classification: Uncertain significance for Familial thoracic aortic aneurysm and aortic dissection. Last evaluated: 2023-04-22. Review status: criteria provided, single submitter. Criteria: Ambry Variant Classification Scheme 2023. Collection method: clinical testing. Allele origin: germline.
Comment: The p.G266R variant (also known as c.796G>A), located in coding exon 2 of the SLC2A10 gene, results from a G to A substitution at nucleotide position 796. The glycine at codon 266 is replaced by arginine, an amino acid with dissimilar properties. This amino acid position is conserved. In addition, this alteration is predicted to be tolerated by in silico analysis. Since supporting evidence is limited at this time, the clinical significance of this alteration remains unclear.